The following is an entry in ClinVar:

NM_000038.6(APC):c.1006G>C (p.Ala336Pro)

Gene: APC (APC regulator of Wnt signaling pathway; plus strand). Cytogenetic location: 5q22.2.
Variant type: single nucleotide variant.
Coding change: c.1006G>C on transcript NM_000038.6 (MANE Select); coding-DNA position 1006, G replaced by C.
Protein change: p.Ala336Pro; replaces alanine 336 with proline.
Molecular consequence: missense variant. On other transcripts: intron variant (4).
Genome position (GRCh38, 1-based): chr5:112,819,038, G>C. VCF-style: chr5-112819038-G-C. GRCh37 (hg19) VCF-style: chr5-112154735-G-C.
Other names: c.1006G>C, p.Ala336Pro (NM_001127510.3, NM_001354895.2, NM_001354896.2); c.952G>C, p.Ala318Pro (NM_001127511.3); c.1036G>C, p.Ala346Pro (NM_001354897.2); c.931G>C, p.Ala311Pro (NM_001354898.2); c.922G>C, p.Ala308Pro (NM_001354899.2); c.829G>C, p.Ala277Pro (NM_001354900.2, NM_001354901.2); c.157G>C, p.Ala53Pro (NM_001354906.2); c.964-231G>C (NM_001354902.2); and 3 more; short protein forms A311P, A346P, A277P, A318P, A336P, A53P, A308P.
Identifiers: ClinVar variation 847356 (VCV000847356.11), dbSNP rs1762813978, ClinGen allele CA16023510.

ClinVar aggregate classification (germline): Uncertain significance (1 of 4 stars; one submission).

Conditions:
Familial adenomatous polyposis 1 (FAP1). Also called: FAMILIAL ADENOMATOUS POLYPOSIS 1, ATTENUATED; POLYPOSIS, ADENOMATOUS INTESTINAL. Identifiers: MedGen C2713442, MONDO:0021056, OMIM 175100. Disease mechanism: loss of function.

Submission:

Labcorp Genetics (formerly Invitae), Labcorp
Classification: Uncertain significance for Familial adenomatous polyposis 1. Last evaluated: 2019-11-05. Review status: criteria provided, single submitter. Criteria: Invitae Variant Classification Sherloc (09022015). Collection method: clinical testing. Allele origin: germline.
Comment: This sequence change replaces alanine with proline at codon 336 of the APC protein (p.Ala336Pro). The alanine residue is highly conserved and there is a small physicochemical difference between alanine and proline. This variant is not present in population databases (ExAC no frequency). This variant has not been reported in the literature in individuals with APC-related conditions. Algorithms developed to predict the effect of missense changes on protein structure and function are either unavailable or do not agree on the potential impact of this missense change (SIFT: "Deleterious"; PolyPhen-2: "Probably Damaging"; Align-GVGD: "Class C0"). In summary, the available evidence is currently insufficient to determine the role of this variant in disease. Therefore, it has been classified as a Variant of Uncertain Significance.